The following is an entry in ClinVar:

ClinVar aggregate classification (germline): Uncertain significance (1 of 4 stars; one submission).

Submission:

GeneDx
Classification: Uncertain significance. Last evaluated: 2024-02-01. Review status: criteria provided, single submitter. Criteria: GeneDx Variant Classification Process June 2021. Collection method: clinical testing. Allele origin: germline. Affected: yes.
Comment: Not observed at significant frequency in large population cohorts (gnomAD); In silico analysis supports that this variant does not alter splicing; Has not been previously published as pathogenic or benign to our knowledge; Reported using an alternate transcript of the gene

NM_001001331.4(ATP2B2):c.3420+2045G>C

Gene: ATP2B2 (ATPase plasma membrane Ca2+ transporting 2; minus strand). Cytogenetic location: 3p25.3.
Variant type: single nucleotide variant.
Coding change: c.3420+2045G>C on transcript NM_001001331.4 (MANE Select); 2045 bases into the intron after coding-DNA position 3420, G replaced by C.
Molecular consequence: intron variant. On other transcripts: missense variant (2).
Genome position (GRCh38, 1-based): chr3:10,336,131, C>G on the plus strand (G>C on the coding strand, the complement: ATP2B2 is on the minus strand). VCF-style: chr3-10336131-C-G. GRCh37 (hg19) VCF-style: chr3-10377815-C-G.
Other names: c.3455G>C, p.Gly1152Ala (NM_001330611.3, NM_001363862.1); c.3285+2045G>C (NM_001353564.1, NM_001683.5); short protein forms G1152A.
Identifiers: ClinVar variation 3368625 (VCV003368625.1).
Genomic context (GRCh38, chr3:10,336,131, plus strand): 5'-CCCGCCTGGGAGCTGGCGTGGGCAGTGCCAGCCGGAGGCAGTAAGGAGTCACACTCACGC[C>G]CGGCTGCAGCAGGAGGAAGGCTGGTCGGAGAGGAAAGAGCATTGGACAACGACACGCGAC-3'